The following is an entry in ClinVar:

NM_004304.5(ALK):c.2205-9C>G

Gene: ALK (ALK receptor tyrosine kinase; minus strand). Cytogenetic location: 2p23.2.
Variant type: single nucleotide variant.
Coding change: c.2205-9C>G on transcript NM_004304.5 (MANE Select); 9 bases into the intron before coding-DNA position 2205, C replaced by G.
Molecular consequence: intron variant.
Genome position (GRCh38, 1-based): chr2:29,239,839, G>C on the plus strand (C>G on the coding strand, the complement: ALK is on the minus strand). VCF-style: chr2-29239839-G-C. GRCh37 (hg19) VCF-style: chr2-29462705-G-C.
Other names: c.2205-9C>G (NM_004304.4).
Identifiers: ClinVar variation 1124845 (VCV001124845.11), dbSNP rs1046349000, ClinGen allele CA44643034.

ClinVar aggregate classification (germline): Likely benign. Review status: criteria provided, single submitter (1 of 4 stars). 2 submissions from 2 submitters: Likely benign (1). 1 of the submissions does not count toward it. Last evaluated 2024-08-02.

Conditions:
ALK-related disorder. Also called: ALK-related condition.
Neuroblastoma, susceptibility to, 3. Also called: ALK-Related Neuroblastic Tumor Susceptibility. Identifiers: Orphanet 635, MedGen C2751681, MONDO:0013083, OMIM 613014.

Allele frequency attached by ClinVar (database versions not stated): gnomAD exomes 0.00001; TOPMed 0.00001.
gnomAD v4.1: 10 of 1,612,540 alleles (0.00062%); highest among the groups gnomAD compares: Non-Finnish European, 0.00085%; no homozygotes.

Submissions (2):

Labcorp Genetics (formerly Invitae), Labcorp
Classification: Likely benign for Neuroblastoma, susceptibility to, 3. Last evaluated: 2024-08-02. Review status: criteria provided, single submitter. Criteria: Invitae Variant Classification Sherloc (09022015). Collection method: clinical testing. Allele origin: germline.

PreventionGenetics, part of Exact Sciences
Classification: Likely benign for ALK-related condition. Last evaluated: 2023-09-15. Review status: no assertion criteria provided. Collection method: clinical testing. Allele origin: germline. Not counted in ClinVar's aggregate classification.
Comment: This variant is classified as likely benign based on ACMG/AMP sequence variant interpretation guidelines (Richards et al. 2015 PMID: 25741868, with internal and published modifications).